The following is an entry in ClinVar:

NM_001365925.2(NLGN1):c.1202A>G (p.Tyr401Cys)

Gene: NLGN1 (neuroligin 1; plus strand). Cytogenetic location: 3q26.31.
Variant type: single nucleotide variant.
Coding change: c.1202A>G on transcript NM_001365925.2 (MANE Select); coding-DNA position 1202, A replaced by G.
Protein change: p.Tyr401Cys; replaces tyrosine 401 with cysteine.
Molecular consequence: missense variant.
Genome position (GRCh38, 1-based): chr3:174,279,143, A>G. VCF-style: chr3-174279143-A-G. GRCh37 (hg19) VCF-style: chr3-173996933-A-G.
Other names: c.1202A>G, p.Tyr401Cys (NM_001365923.2, NM_001365924.2, NM_001365926.2 and 2 more transcripts); c.1142A>G, p.Tyr381Cys (NM_001365929.2, NM_001365930.2, NM_001365931.2 and 3 more transcripts); c.1115A>G, p.Tyr372Cys (NM_001365934.2, NM_001365935.2, NM_001365936.2); short protein forms Y372C, Y381C, Y401C.
Identifiers: ClinVar variation 4882199 (VCV004882199.2).

ClinVar aggregate classification (germline): Uncertain significance (1 of 4 stars; one submission).

Conditions:
Autism, susceptibility to, 20. Identifiers: MedGen C5394226, MONDO:0030004, OMIM 618830.

Submission:

Dasa
Classification: Uncertain significance for Autism, susceptibility to, 20. Last evaluated: 2025-01-08. Review status: criteria provided, single submitter. Criteria: DASA Assertion Criteria. Collection method: clinical testing. Allele origin: germline.
Comment: NM_001365925.2(NLGN1):c.1202A>G (p.Tyr401Cys) is a missense variant that results in the substitution of tyrosine with cysteine. This variant is absent from population databases. Computational prediction algorithms are consistent with a deleterious effect. The currently available literature and clinical evidence are not sufficient to establish a definitive association between this variant and the reported condition. Therefore, this variant is classified as a variant of uncertain significance.